The following is an entry in ClinVar:

ClinVar aggregate classification (germline): Conflicting classifications of pathogenicity. Review status: criteria provided, conflicting classifications (1 of 4 stars). 2 submissions from 2 submitters: Uncertain significance (1); Likely benign (1). Last evaluated 2026-02-22.

Conditions:
Familial thoracic aortic aneurysm and aortic dissection (TAAD). Also called: Thoracic aortic aneurysms and dissections. Identifiers: Orphanet 91387, MedGen C4707243, MONDO:0019625.
Ehlers-Danlos syndrome, classic type, 1 (EDSCL1). Also called: Ehlers-Danlos Syndrome, Classic Type, COL5A1-Related; EHLERS-DANLOS SYNDROME, GRAVIS TYPE; EHLERS-DANLOS SYNDROME, SEVERE CLASSIC TYPE; Ehlers-Danlos syndrome, type 1; EDS I. Identifiers: MedGen C0268335, MONDO:0019567, OMIM 130000.

Allele frequency attached by ClinVar (database versions not stated): TOPMed below 0.00001; gnomAD 0.00001; ExAC 0.00002.
gnomAD v4.1: 9 of 1,613,626 alleles (0.00056%); highest among the groups gnomAD compares: Middle Eastern, 0.016%; no homozygotes.

Submissions (2):

Ambry Genetics
Classification: Uncertain significance for Familial thoracic aortic aneurysm and aortic dissection. Last evaluated: 2026-02-22. Review status: criteria provided, single submitter. Criteria: Ambry Variant Classification Scheme 2023. Collection method: clinical testing. Allele origin: germline.
Comment: The p.A74T variant (also known as c.220G>A), located in coding exon 2 of the COL5A1 gene, results from a G to A substitution at nucleotide position 220. The alanine at codon 74 is replaced by threonine, an amino acid with similar properties. This amino acid position is conserved. In addition, this alteration is predicted to be deleterious by in silico analysis. Based on the available evidence, the clinical significance of this variant remains unclear.

Labcorp Genetics (formerly Invitae), Labcorp
Classification: Likely benign for Ehlers-Danlos syndrome, classic type, 1. Last evaluated: 2025-06-06. Review status: criteria provided, single submitter. Criteria: Invitae Variant Classification Sherloc (09022015). Collection method: clinical testing. Allele origin: germline.

NM_000093.5(COL5A1):c.220G>A (p.Ala74Thr)

Gene: COL5A1 (collagen type V alpha 1 chain; plus strand). Cytogenetic location: 9q34.3.
Variant type: single nucleotide variant.
Coding change: c.220G>A on transcript NM_000093.5 (MANE Select); coding-DNA position 220, G replaced by A.
Protein change: p.Ala74Thr; replaces alanine 74 with threonine.
Molecular consequence: missense variant.
Genome position (GRCh38, 1-based): chr9:134,691,022, G>A. VCF-style: chr9-134691022-G-A. GRCh37 (hg19) VCF-style: chr9-137582868-G-A.
Other names: c.220G>A (NM_000093.3); c.220G>A, p.Ala74Thr (NM_001278074.1); short protein forms A74T.
Identifiers: ClinVar variation 2136983 (VCV002136983.5), dbSNP rs762184059, ClinGen allele CA5318238.